The following is an entry in ClinVar:

NC_000023.10:g.(?_123019513)_(123020409_?)dup

Gene: XIAP (X-linked inhibitor of apoptosis; plus strand). Cytogenetic location: Xq25.
Variant type: Duplication.
Identifiers: ClinVar variation 1410306 (VCV001410306.5).

ClinVar aggregate classification (germline): Uncertain significance (1 of 4 stars; one submission).

Conditions:
X-linked lymphoproliferative disease due to XIAP deficiency. Also called: XIAP-Related Lymphoproliferative Disease, X-Linked; XIAP DEFICIENCY. Identifiers: Orphanet 2442, Orphanet 538934, MedGen C1845076, MONDO:0010385, OMIM 300635.

Submission:

Labcorp Genetics (formerly Invitae), Labcorp
Classification: Uncertain significance for X-linked lymphoproliferative disease due to XIAP deficiency. Last evaluated: 2022-12-02. Review status: criteria provided, single submitter. Criteria: Invitae Variant Classification Sherloc (09022015). Collection method: clinical testing. Allele origin: germline.
Comment: In summary, the available evidence is currently insufficient to determine the role of this variant in disease. Therefore, it has been classified as a Variant of Uncertain Significance. Experimental studies and prediction algorithms are not available or were not evaluated, and the functional significance of this variant is currently unknown. This variant has not been reported in the literature in individuals affected with XIAP-related conditions. This variant results in a copy number gain of the genomic region encompassing exon(s) 2 of the XIAP gene. This region includes the initiator codon of the gene. This copy number gain extends beyond the assayed region for this gene and therefore may encompass additional genes. As the precise location of this event is unknown, it may be in tandem or it may be located elsewhere in the genome.